The following is an entry in ClinVar:

ClinVar aggregate classification (germline): Pathogenic (1 of 4 stars; one submission).

Submission:

GeneDx
Classification: Pathogenic. Last evaluated: 2015-08-25. Review status: criteria provided, single submitter. Criteria: GeneDx Variant Classification (06012015). Collection method: clinical testing. Allele origin: germline. Affected: yes.
Comment: The c.2409dupT variant in the UBE3A gene causes a frameshift starting with codon Isoleucine 804, changes this amino acid to a Tyrosine residue and creates a premature Stop codon at position 19 of the new reading frame, denoted p.I804YfsX19. This variant is predicted to cause loss of normal protein function through protein truncation, as the last 49 amino acids are lost and replaced with 18 incorrect amino acids.

NM_130839.5(UBE3A):c.2469dup (p.Ile824fs)

Genes: SNHG14 (small nucleolar RNA host gene 14; plus strand), UBE3A (ubiquitin protein ligase E3A; minus strand). Cytogenetic location: 15q11.2.
Variant type: Duplication.
Coding change: c.2469dup on transcript NM_130839.5 (MANE Select); coding-DNA position 2469, one base duplicated (T; older notation c.2469dupT).
Protein change: p.Ile824fs; shifts the reading frame from isoleucine 824.
Molecular consequence: frameshift variant. On other transcripts: non-coding transcript variant (1).
Genome position (GRCh38, 1-based): chr15:25,340,114, A duplicated on the plus strand (T on the coding strand, the reverse complement: UBE3A is on the minus strand); the first of 2 consecutive A bases (chr15:25,340,114-25,340,115); duplicating either gives the same sequence. VCF-style (leftmost placement, unchanged base first): chr15-25340113-T-TA. GRCh37 (hg19) VCF-style: chr15-25585260-T-TA.
Other names: c.2478dup, p.Ile827fs (NM_000462.5); c.2469dup, p.Ile824fs (NM_001354505.1, NM_001354538.2); c.2409dup, p.Ile804fs (NM_001354506.2, NM_001354507.2, NM_001354508.2 and 14 more transcripts); c.2313dup, p.Ile772fs (NM_001354545.2); c.2292dup, p.Ile765fs (NM_001354546.2); c.2253dup, p.Ile752fs (NM_001354547.2, NM_001354548.2); c.2244dup, p.Ile749fs (NM_001354549.2); c.1218dup, p.Ile407fs (NM_001354550.2); and 1 more; short protein forms I387fs, I749fs, I752fs, I804fs, I824fs, I407fs, I772fs, I765fs.
Identifiers: ClinVar variation 279968 (VCV000279968.2), dbSNP rs886041289, ClinGen allele CA10603249.
Genomic context (GRCh38, chr15:25,340,113, plus strand): 5'-AGGTATACAGTCACAAGTTAATAATTACCTACCTTTCTGTGTCTGGGCCATTTTTGGCTA[T>TA]AATCATCTTTAATTTTCCTAGTCCTCCCACAGGTGCTCTGTCTGTGCCCGTTGTAAACTG-3'